The following is an entry in ClinVar:

NM_177972.3(TUB):c.502_504dup (p.Thr168dup)

Genes: RIC3 (RIC3 acetylcholine receptor chaperone; minus strand), TUB (TUB bipartite transcription factor; plus strand). Cytogenetic location: 11p15.4.
Variant type: Duplication.
Coding change: c.502_504dup on transcript NM_177972.3 (MANE Select); coding-DNA positions 502 to 504, 3 bases duplicated (ACG; older notation c.502_504dupACG).
Protein change: p.Thr168dup; duplicates threonine 168.
Molecular consequence: inframe insertion.
Genome position (GRCh38, 1-based): chr11:8,095,602-8,095,604, ACG duplicated; duplicating any 3 consecutive bases within chr11:8,095,601-8,095,604 gives the same sequence; the c. name uses the placement nearest the transcript's 3' end. VCF-style (leftmost placement, unchanged base first): chr11-8095600-A-AGAC. GRCh37 (hg19) VCF-style: chr11-8117147-A-AGAC.
Other names: c.667_669dup, p.Thr223dup (NM_003320.5).
Identifiers: ClinVar variation 1507297 (VCV001507297.8), dbSNP rs2133863924, ClinGen allele CA2573147220.

ClinVar aggregate classification (germline): Uncertain significance (1 of 4 stars; one submission).

Submission:

Labcorp Genetics (formerly Invitae), Labcorp
Classification: Uncertain significance. Last evaluated: 2021-07-24. Review status: criteria provided, single submitter. Criteria: Invitae Variant Classification Sherloc (09022015). Collection method: clinical testing. Allele origin: germline.
Comment: This variant, c.667_669dup, results in the insertion of 1 amino acid(s) to the TUB protein (p.Thr223dup), but otherwise preserves the integrity of the reading frame. This variant is not present in population databases (ExAC no frequency). This variant has not been reported in the literature in individuals affected with TUB-related conditions. Experimental studies and prediction algorithms are not available or were not evaluated, and the functional significance of this variant is currently unknown. In summary, the available evidence is currently insufficient to determine the role of this variant in disease. Therefore, it has been classified as a Variant of Uncertain Significance.